The following is an entry in ClinVar:

ClinVar aggregate classification (germline): Benign. Review status: criteria provided, multiple submitters, no conflicts (2 of 4 stars). 2 submissions from 2 submitters: Benign (2). Last evaluated 2018-06-15.

Allele frequency attached by ClinVar (database versions not stated): 1000 Genomes Project 30x 0.71658; 1000 Genomes Project 0.71925; TOPMed 0.74075; gnomAD 0.76049 and 0.76229; gnomAD exomes 0.83797.
gnomAD v4.1: 612,775 of 746,092 alleles (82%); highest among the groups gnomAD compares: Non-Finnish European, 87%; 255,296 homozygotes.

Submissions (2):

GeneDx
Classification: Benign. Last evaluated: 2018-06-15. Review status: criteria provided, single submitter. Criteria: GeneDx Variant Classification (06012015). Collection method: clinical testing. Allele origin: germline. Affected: yes.
Comment: This variant is considered likely benign or benign based on one or more of the following criteria: it is a conservative change, it occurs at a poorly conserved position in the protein, it is predicted to be benign by multiple in silico algorithms, and/or has population frequency not consistent with disease.

Breakthrough Genomics
Classification: Benign. Review status: criteria provided, single submitter. Criteria: ACMG Guidelines, 2015. Collection method: not provided. Allele origin: germline. Inheritance: Unknown mechanism. Affected: yes.

NM_014476.6(PDLIM3):c.246-98T>G

Gene: PDLIM3 (PDZ and LIM domain 3; minus strand). Cytogenetic location: 4q35.1.
Variant type: single nucleotide variant.
Coding change: c.246-98T>G on transcript NM_014476.6 (MANE Select); 98 bases into the intron before coding-DNA position 246, T replaced by G.
Molecular consequence: intron variant.
Genome position (GRCh38, 1-based): chr4:185,523,544, A>C on the plus strand (T>G on the coding strand, the complement: PDLIM3 is on the minus strand). VCF-style: chr4-185523544-A-C. GRCh37 (hg19) VCF-style: chr4-186444698-A-C.
Other names: c.94-9207T>G (NM_001257963.2); c.246-98T>G (NM_001257962.2, NM_001114107.5).
Identifiers: ClinVar variation 672915 (VCV000672915.2), dbSNP rs4862543, ClinGen allele CA112052362.
Genomic context (GRCh38, chr4:185,523,544, plus strand): 5'-ATGGTACTTTCAGTTTTAGCATACTTTAGTTTCCCATTATGTTTGTGAAAATACTAGCAA[A>C]CCTCACTAACTTATGCAAAAACAATTTTTTTTTTTGCTGATTATTCTGTATTTTCCCACA-3'